The following is an entry in ClinVar:

ClinVar aggregate classification (germline): Uncertain significance (1 of 4 stars; one submission).

Conditions:
Hereditary cancer-predisposing syndrome. Also called: Tumor predisposition; Hereditary Cancer Syndrome; Neoplastic Syndromes, Hereditary; Hereditary neoplastic syndrome. Identifiers: Orphanet 140162, MedGen C0027672, MeSH D009386, MONDO:0015356.

Submission:

Ambry Genetics
Classification: Uncertain significance for Hereditary cancer-predisposing syndrome. Last evaluated: 2021-03-19. Review status: criteria provided, single submitter. Criteria: Ambry Variant Classification Scheme 2023. Collection method: clinical testing. Allele origin: germline.
Comment: The p.V891L variant (also known as c.2671G>T), located in coding exon 17 of the CTNNA1 gene, results from a G to T substitution at nucleotide position 2671. The valine at codon 891 is replaced by leucine, an amino acid with highly similar properties. This amino acid position is well conserved in available vertebrate species. In addition, this alteration is predicted to be tolerated by in silico analysis. Since supporting evidence is limited at this time, the clinical significance of this alteration remains unclear.

NM_001903.5(CTNNA1):c.2671G>T (p.Val891Leu)

Gene: CTNNA1 (catenin alpha 1; plus strand). Cytogenetic location: 5q31.2.
Variant type: single nucleotide variant.
Coding change: c.2671G>T on transcript NM_001903.5 (MANE Select); coding-DNA position 2671, G replaced by T.
Protein change: p.Val891Leu; replaces valine 891 with leucine.
Molecular consequence: missense variant. On other transcripts: 3 prime UTR variant (5).
Genome position (GRCh38, 1-based): chr5:138,934,039, G>T. VCF-style: chr5-138934039-G-T. GRCh37 (hg19) VCF-style: chr5-138269728-G-T.
Other names: c.*216G>T (NM_001290307.3, NM_001324002.1, NM_001324003.1 and 2 more transcripts); c.2362G>T, p.Val788Leu (NM_001290309.3); c.2302G>T, p.Val768Leu (NM_001290310.3); c.1561G>T, p.Val521Leu (NM_001290312.1, NM_001323987.1, NM_001323988.1 and 12 more transcripts); c.2671G>T, p.Val891Leu (NM_001323982.2, NM_001323983.1, NM_001323984.2); c.2644G>T, p.Val882Leu (NM_001323985.2); c.2578G>T, p.Val860Leu (NM_001323986.2); c.1426G>T, p.Val476Leu (NM_001324001.1); and 3 more; short protein forms V788L, V860L, V408L, V490L, V882L, V476L, V521L, V440L.
Identifiers: ClinVar variation 1794560 (VCV001794560.2), dbSNP rs771903880, ClinGen allele CA361135738.